The following is an entry in ClinVar:

ClinVar aggregate classification (germline): Uncertain significance (1 of 4 stars; one submission).

Allele frequency attached by ClinVar (database versions not stated): gnomAD 0.00001; ExAC 0.00003.
gnomAD v4.1: 26 of 1,613,330 alleles (0.0016%); highest among the groups gnomAD compares: African/African-American, 0.004%; no homozygotes.

Submission:

Labcorp Genetics (formerly Invitae), Labcorp
Classification: Uncertain significance. Last evaluated: 2022-06-15. Review status: criteria provided, single submitter. Criteria: Invitae Variant Classification Sherloc (09022015). Collection method: clinical testing. Allele origin: germline.
Comment: This sequence change replaces threonine, which is neutral and polar, with methionine, which is neutral and non-polar, at codon 3376 of the MYO15A protein (p.Thr3376Met). This variant is present in population databases (rs748960981, gnomAD 0.006%). This variant has not been reported in the literature in individuals affected with MYO15A-related conditions. Advanced modeling of protein sequence and biophysical properties (such as structural, functional, and spatial information, amino acid conservation, physicochemical variation, residue mobility, and thermodynamic stability) performed at Invitae indicates that this missense variant is not expected to disrupt MYO15A protein function. In summary, the available evidence is currently insufficient to determine the role of this variant in disease. Therefore, it has been classified as a Variant of Uncertain Significance.

NM_016239.4(MYO15A):c.10127C>T (p.Thr3376Met)

Gene: MYO15A (myosin XVA; plus strand). Cytogenetic location: 17p11.2.
Variant type: single nucleotide variant.
Coding change: c.10127C>T on transcript NM_016239.4 (MANE Select); coding-DNA position 10127, C replaced by T.
Protein change: p.Thr3376Met; replaces threonine 3376 with methionine.
Molecular consequence: missense variant.
Genome position (GRCh38, 1-based): chr17:18,171,682, C>T. VCF-style: chr17-18171682-C-T. GRCh37 (hg19) VCF-style: chr17-18074996-C-T.
Other names: short protein forms T3376M.
Identifiers: ClinVar variation 1931442 (VCV001931442.2), dbSNP rs748960981, ClinGen allele CA8425813.